The following is an entry in ClinVar:

ClinVar aggregate classification (germline): Likely pathogenic (1 of 4 stars; one submission).

Conditions:
Developmental and epileptic encephalopathy. Identifiers: MedGen C5779964, MONDO:0100620.

Submission:

Labcorp Genetics (formerly Invitae), Labcorp
Classification: Likely pathogenic for Early-infantile DEE. Last evaluated: 2017-08-10. Review status: criteria provided, single submitter. Criteria: Invitae Variant Classification Sherloc (09022015). Collection method: clinical testing. Allele origin: germline.
Comment: This variant is a gross deletion of the genomic region encompassing exon 17 of the KCNQ2 gene. The 5' boundary is likely confined to intron 16. The 3' end of this event is unknown as it extends through the termination codon beyond the assayed region for this gene and may encompass additional genes. While this deletion is not anticipated to result in nonsense mediated decay, it is expected to create a truncated protein product or disrupt mRNA translation. This variant has not been reported in the literature in individuals with a KCNQ2-related disease. A different variant that disrupts the final 98 amino acids of the KCNQ2 protein (p.Cys774Leufs*91) has been determined to be pathogenic (PMID: 23692823). This suggests that this region is critical for KCNQ2 protein function and that other variants that disrupt this region, such as this exon 17 deletion, may also be pathogenic. In summary, the currently available evidence indicates that the variant is pathogenic, but additional data are needed to prove that conclusively. Therefore, this variant has been classified as Likely Pathogenic.

Literature cited by the submitters: PubMed 23692823.

NC_000020.11:g.(?_63406624)_(63407395_?)del

Gene: KCNQ2 (potassium voltage-gated channel subfamily Q member 2; minus strand). Cytogenetic location: 20q13.33.
Variant type: Deletion.
Identifiers: ClinVar variation 461210 (VCV000461210.2).